The following is an entry in ClinVar:

ClinVar aggregate classification (germline): Pathogenic. Review status: criteria provided, multiple submitters, no conflicts (2 of 4 stars). 6 submissions from 6 submitters: Pathogenic (6). Last evaluated 2024-12-18.

Conditions:
Bartter syndrome. Identifiers: Orphanet 112, MedGen C0004775, MONDO:0015231.
Bartter disease type 3. Also called: Bartter syndrome type 3. Identifiers: Orphanet 112, Orphanet 93605, MedGen C1846343, MONDO:0011822, OMIM 607364.
Bartter disease type 4B. Also called: BARTTER SYNDROME, TYPE 4B; BARTTER SYNDROME, TYPE 4B, NEONATAL, WITH SENSORINEURAL DEAFNESS; Bartter syndrome, type 4b, digenic. Identifiers: Orphanet 112, MedGen C4310805, MONDO:0000909, OMIM 613090.

Allele frequency attached by ClinVar (database versions not stated): ExAC 0.00002; gnomAD exomes 0.00006; gnomAD 0.00007; TOPMed 0.00008; ESP Exome Variant Server 0.00015.
gnomAD v4.1: 102 of 1,613,736 alleles (0.0063%); highest among the groups gnomAD compares: African/African-American, 0.013%; no homozygotes.

Submissions (6):

Labcorp Genetics (formerly Invitae), Labcorp
Classification: Pathogenic. Last evaluated: 2024-12-18. Review status: criteria provided, single submitter. Criteria: Invitae Variant Classification Sherloc (09022015). Collection method: clinical testing. Allele origin: germline.
Comment: This sequence change replaces arginine, which is basic and polar, with histidine, which is basic and polar, at codon 438 of the CLCNKB protein (p.Arg438His). This variant is present in population databases (rs201540273, gnomAD 0.005%). This missense change has been observed in individual(s) with clinical features of CLCNKB-related conditions (PMID: 10906158, 28381550, 32857947). In at least one individual the data is consistent with being in trans (on the opposite chromosome) from a pathogenic variant. ClinVar contains an entry for this variant (Variation ID: 2055600). Invitae Evidence Modeling of protein sequence and biophysical properties (such as structural, functional, and spatial information, amino acid conservation, physicochemical variation, residue mobility, and thermodynamic stability) indicates that this missense variant is expected to disrupt CLCNKB protein function with a positive predictive value of 80%. Experimental studies have shown that this missense change affects CLCNKB function (PMID: 23703872). This variant disrupts the p.Arg438 amino acid residue in CLCNKB. Other variant(s) that disrupt this residue have been determined to be pathogenic (PMID: 9326936, 10831588, 11734858, 21631963, 28381550, 31115572). This suggests that this residue is clinically significant, and that variants that disrupt this residue are likely to be disease-causing. For these reasons, this variant has been classified as Pathogenic.

Fulgent Genetics
Classification: Pathogenic for Bartter disease type 3; Bartter disease type 4B. Last evaluated: 2024-03-30. Review status: criteria provided, single submitter. Criteria: ACMG Guidelines, 2015. Collection method: clinical testing. Allele origin: germline.

CeGaT Center for Human Genetics Tuebingen
Classification: Pathogenic. Last evaluated: 2024-02-01. Review status: criteria provided, single submitter. Criteria: CeGaT Center For Human Genetics Tuebingen Variant Classification Criteria Version 2. Collection method: clinical testing. Allele origin: germline. Affected: yes. Observed: 1 variant allele.
Comment: CLCNKB: PM3:Strong, PM2, PM5, PP3, PS3:Supporting

GeneDx
Classification: Pathogenic. Last evaluated: 2023-10-26. Review status: criteria provided, single submitter. Criteria: GeneDx Variant Classification Process June 2021. Collection method: clinical testing. Allele origin: germline. Affected: yes.
Comment: Published functional studies demonstrate p.(R438H) significantly affects voltage-gated chloride channel function (PMID: 23703872); In silico analysis supports that this missense variant has a deleterious effect on protein structure/function; This variant is associated with the following publications: (PMID: 34426522, 28555925, 12472765, 34246755, 28381550, 32857947, 10906158, 23703872)

Women's Health and Genetics/Laboratory Corporation of America, LabCorp
Classification: Pathogenic for Bartter syndrome. Last evaluated: 2023-06-08. Review status: criteria provided, single submitter. Criteria: LabCorp Variant Classification Summary - May 2015. Collection method: clinical testing. Allele origin: germline.
Comment: Variant summary: CLCNKB c.1313G>A (p.Arg438His) results in a non-conservative amino acid change in the encoded protein sequence. Five of five in-silico tools predict a damaging effect of the variant on protein function. The variant allele was found at a frequency of 2.4e-05 in 251002 control chromosomes. c.1313G>A has been reported in the literature in multiple individuals affected with Bartter Syndrome, Type 3, including homozygotes with with evidence of familial co-segregation who show phenotypic features of both Gitelman and classic Bartter syndrome (example: Zelikovic_2003). These data indicate that the variant is very likely to be associated with disease. At least one publication reports experimental evidence evaluating an impact on protein function (Keck_2013). The most pronounced variant effect results in absent electric current capability and a severely reduced protein product. The following publications have been ascertained in the context of this evaluation (PMID: 23703872, 12472765). One clinical diagnostic laboratory has submitted clinical-significance assessments for this variant to ClinVar after 2014 classifying the variant as pathogenic. Based on the evidence outlined above, the variant was classified as pathogenic.

Juno Genomics, Hangzhou Juno Genomics, Inc
Classification: Pathogenic for Bartter disease type 3; Bartter disease type 4B. Review status: criteria provided, single submitter. Criteria: ACMG Guidelines, 2015. Collection method: clinical testing. Allele origin: germline.
Comment: Absent from controls (or at extremely low frequency if recessive) in Genome Aggregation Database.;Multiple lines of computational evidence support a deleterious effect on the gene or gene product.;For recessive disorders, detected in trans with a pathogenic variant.;Patient's phenotype or family history is highly specific for a disease with a single genetic etiology.;Co-segregation with disease in multiple affected family members.

Literature cited by the submitters: PubMed 10906158 (cited by Labcorp Genetics (formerly Invitae), Labcorp); PubMed 28381550 (cited by Labcorp Genetics (formerly Invitae), Labcorp); PubMed 32857947 (cited by Labcorp Genetics (formerly Invitae), Labcorp); PubMed 23703872 (cited by Labcorp Genetics (formerly Invitae), Labcorp and Women's Health and Genetics/Laboratory Corporation of America, LabCorp); PubMed 9326936 (cited by Labcorp Genetics (formerly Invitae), Labcorp); PubMed 10831588 (cited by Labcorp Genetics (formerly Invitae), Labcorp); PubMed 11734858 (cited by Labcorp Genetics (formerly Invitae), Labcorp); PubMed 21631963 (cited by Labcorp Genetics (formerly Invitae), Labcorp); PubMed 31115572 (cited by Labcorp Genetics (formerly Invitae), Labcorp); PubMed 12472765 (cited by Women's Health and Genetics/Laboratory Corporation of America, LabCorp).

NM_000085.5(CLCNKB):c.1313G>A (p.Arg438His)

Genes: CLCNKB (chloride voltage-gated channel Kb; plus strand), LOC106501713 (CLCNKB recombination region; plus strand). Cytogenetic location: 1p36.13.
Variant type: single nucleotide variant.
Coding change: c.1313G>A on transcript NM_000085.5 (MANE Select); coding-DNA position 1313, G replaced by A.
Protein change: p.Arg438His; replaces arginine 438 with histidine.
Molecular consequence: missense variant.
Genome position (GRCh38, 1-based): chr1:16,051,725, G>A. VCF-style: chr1-16051725-G-A. GRCh37 (hg19) VCF-style: chr1-16378220-G-A.
Other names: c.806G>A, p.Arg269His (NM_001165945.2); c.1313G>A (NM_000085.4); short protein forms R269H, R438H.
Identifiers: ClinVar variation 2055600 (VCV002055600.30), dbSNP rs201540273, ClinGen allele CA623812.
Genomic context (GRCh38, chr1:16,051,725, plus strand): 5'-GGGCCGGGTCAGCCTGGCTCCCCCTCACCCTAAGTCTGTGGCCAGGAGCTGCTATCGGGC[G>A]CCTCTTTGGGGAGACTCTCTCTTTTATCTTCCCTGAGGGCATCGTGGCTGGAGGGATCAC-3'
Protein context (NP_000076.2, residues 428-448): PIFVYGAAIG[Arg438His]LFGETLSFIF